The following is an entry in ClinVar:

ClinVar aggregate classification (germline): Uncertain significance. Review status: criteria provided, multiple submitters, no conflicts (2 of 4 stars). 3 submissions from 3 submitters: Uncertain significance (2). 1 of the submissions does not count toward it. Last evaluated 2025-06-10.

Conditions:
Inborn genetic diseases. Identifiers: MedGen C0950123, MeSH D030342.
DYNC2H1-related disorder. Also called: DYNC2H1-related condition; DYNC2H1-related disorders. Identifiers: MedGen CN378770.

Allele frequency attached by ClinVar (database versions not stated): gnomAD 0.00003; TOPMed 0.00012.
gnomAD v4.1: 16 of 1,613,478 alleles (0.00099%); highest among the groups gnomAD compares: Admixed American, 0.012%; no homozygotes.

Submissions (3):

Ambry Genetics
Classification: Uncertain significance for Inborn genetic diseases. Last evaluated: 2025-06-10. Review status: criteria provided, single submitter. Criteria: Ambry Variant Classification Scheme 2023. Collection method: clinical testing. Allele origin: germline.

Blueprint Genetics
Classification: Uncertain significance. Last evaluated: 2024-05-24. Review status: criteria provided, single submitter. Criteria: ACMG Guidelines, 2015. Collection method: clinical testing. Allele origin: germline.

PreventionGenetics, part of Exact Sciences
Classification: Uncertain significance for DYNC2H1-related condition. Last evaluated: 2023-12-01. Review status: no assertion criteria provided. Collection method: clinical testing. Allele origin: germline. Not counted in ClinVar's aggregate classification.
Comment: The DYNC2H1 c.2622G>T variant is predicted to result in the amino acid substitution p.Lys874Asn. To our knowledge, this variant has not been reported in the literature. This variant is reported in 0.0028% of alleles in individuals of Latino descent in gnomAD. At this time, the clinical significance of this variant is uncertain due to the absence of conclusive functional and genetic evidence.

NM_001377.3(DYNC2H1):c.2622G>T (p.Lys874Asn)

Gene: DYNC2H1 (dynein cytoplasmic 2 heavy chain 1; plus strand). Cytogenetic location: 11q22.3.
Variant type: single nucleotide variant.
Coding change: c.2622G>T on transcript NM_001377.3 (MANE Select); coding-DNA position 2622, G replaced by T.
Protein change: p.Lys874Asn; replaces lysine 874 with asparagine.
Molecular consequence: missense variant.
Genome position (GRCh38, 1-based): chr11:103,143,315, G>T. VCF-style: chr11-103143315-G-T. GRCh37 (hg19) VCF-style: chr11-103014044-G-T.
Other names: c.2622G>T, p.Lys874Asn (NM_001080463.2); short protein forms K874N.
Identifiers: ClinVar variation 2634598 (VCV002634598.5), dbSNP rs780692171, ClinGen allele CA382263556.
Genomic context (GRCh38, chr11:103,143,315, plus strand): 5'-TTTCTTTAAATAGGAATGGATTGTAATTGGGCAAGTTGATATGGAAGCTCTGGTGGAAAA[G>T]CATCTTTTTACTGTACATGATTGGGAGAAAAATTTTAAAGCATTAAAAATAAAGGGGAAA-3'
Protein context (NP_001368.2, residues 864-884): GQVDMEALVE[Lys874Asn]HLFTVHDWEK